The following is an entry in ClinVar:

NM_013436.5(NCKAP1):c.881C>T (p.Ser294Phe)

Gene: NCKAP1 (NCK associated protein 1; minus strand). Cytogenetic location: 2q32.1.
Variant type: single nucleotide variant.
Coding change: c.881C>T on transcript NM_013436.5 (MANE Select); coding-DNA position 881, C replaced by T.
Protein change: p.Ser294Phe; replaces serine 294 with phenylalanine.
Molecular consequence: missense variant.
Genome position (GRCh38, 1-based): chr2:182,989,096, G>A on the plus strand (C>T on the coding strand, the complement: NCKAP1 is on the minus strand). VCF-style: chr2-182989096-G-A. GRCh37 (hg19) VCF-style: chr2-183853824-G-A.
Other names: c.899C>T, p.Ser300Phe (NM_205842.3); short protein forms S294F, S300F.
Identifiers: ClinVar variation 2505270 (VCV002505270.1), dbSNP rs533081641, ClinGen allele CA61687856.

ClinVar aggregate classification (germline): Uncertain significance (1 of 4 stars; one submission).

gnomAD v4.1: 3 of 1,613,754 alleles (0.00019%); highest among the groups gnomAD compares: East Asian, 0.0022%; no homozygotes.

Submission:

Greenwood Genetic Center Diagnostic Laboratories, Greenwood Genetic Center
Classification: Uncertain significance. Last evaluated: 2023-02-06. Review status: criteria provided, single submitter. Criteria: ACMG Guidelines, 2015. Collection method: clinical testing. Allele origin: germline. Affected: yes.
Comment: Gene of Uncertain Significance